The following is an entry in ClinVar:

NM_004519.4(KCNQ3):c.913G>C (p.Asp305His)

Gene: KCNQ3 (potassium voltage-gated channel subfamily Q member 3; minus strand). Cytogenetic location: 8q24.22.
Variant type: single nucleotide variant.
Coding change: c.913G>C on transcript NM_004519.4 (MANE Select); coding-DNA position 913, G replaced by C.
Protein change: p.Asp305His; replaces aspartic acid 305 with histidine.
Molecular consequence: missense variant.
Genome position (GRCh38, 1-based): chr8:132,175,473, C>G on the plus strand (G>C on the coding strand, the complement: KCNQ3 is on the minus strand). VCF-style: chr8-132175473-C-G. GRCh37 (hg19) VCF-style: chr8-133187720-C-G.
Other names: c.553G>C, p.Asp185His (NM_001204824.2); short protein forms D305H, D185H.
Identifiers: ClinVar variation 3661643 (VCV003661643.2).

ClinVar aggregate classification (germline): Uncertain significance (1 of 4 stars; one submission).

Conditions:
Benign neonatal seizures. Also called: Benign familial neonatal epilepsy; Benign familial neonatal seizures; Convulsions benign familial neonatal dominant form; Autosomal dominant form of benign neonatal seizures; Benign neonatal familial convulsions. Identifiers: Orphanet 1949, MedGen C0220669, MONDO:0016027.

Submission:

Labcorp Genetics (formerly Invitae), Labcorp
Classification: Uncertain significance for Benign neonatal seizures. Last evaluated: 2024-08-14. Review status: criteria provided, single submitter. Criteria: Invitae Variant Classification Sherloc (09022015). Collection method: clinical testing. Allele origin: germline.
Comment: This sequence change replaces aspartic acid, which is acidic and polar, with histidine, which is basic and polar, at codon 305 of the KCNQ3 protein (p.Asp305His). This variant is not present in population databases (gnomAD no frequency). This variant has not been reported in the literature in individuals affected with KCNQ3-related conditions. Invitae Evidence Modeling of protein sequence and biophysical properties (such as structural, functional, and spatial information, amino acid conservation, physicochemical variation, residue mobility, and thermodynamic stability) indicates that this missense variant is not expected to disrupt KCNQ3 protein function with a negative predictive value of 80%. This variant disrupts the p.Asp305 amino acid residue in KCNQ3. Other variant(s) that disrupt this residue have been observed in individuals with KCNQ3-related conditions (PMID: 14534157, 29655203), which suggests that this may be a clinically significant amino acid residue. In summary, the available evidence is currently insufficient to determine the role of this variant in disease. Therefore, it has been classified as a Variant of Uncertain Significance.

Literature cited by the submitters: PubMed 14534157; PubMed 29655203.